The following is an entry in ClinVar:

ClinVar aggregate classification (germline): Benign/Likely benign. Review status: criteria provided, multiple submitters, no conflicts (2 of 4 stars). 6 submissions from 6 submitters: Benign (1); Likely benign (5). Last evaluated 2025-12-08.

Conditions:
CDK5RAP2-related disorder. Also called: CDK5RAP2-related condition.

Allele frequency attached by ClinVar (database versions not stated): gnomAD exomes 0.00010; ExAC 0.00026; ESP Exome Variant Server 0.00100; 1000 Genomes Project 30x 0.00109; gnomAD 0.00133 and 0.00145; 1000 Genomes Project 0.00140; TOPMed 0.00163.
gnomAD v4.1: 370 of 1,614,204 alleles (0.023%); highest among the groups gnomAD compares: African/African-American, 0.37%; 3 homozygotes.

Submissions (6):

Labcorp Genetics (formerly Invitae), Labcorp
Classification: Benign. Last evaluated: 2025-12-08. Review status: criteria provided, single submitter. Criteria: Invitae Variant Classification Sherloc (09022015). Collection method: clinical testing. Allele origin: germline.

CeGaT Center for Human Genetics Tuebingen
Classification: Likely benign. Last evaluated: 2025-03-01. Review status: criteria provided, single submitter. Criteria: CeGaT Center For Human Genetics Tuebingen Variant Classification Criteria Version 2. Collection method: clinical testing. Allele origin: germline. Affected: yes. Observed: 1 variant allele.
Comment: CDK5RAP2: BP4, BP7

PreventionGenetics, part of Exact Sciences
Classification: Likely benign for CDK5RAP2-related condition. Last evaluated: 2024-10-28. Review status: criteria provided, single submitter. Criteria: ACMG Guidelines, 2015. Collection method: clinical testing. Allele origin: germline.
Comment: This variant is classified as likely benign based on ACMG/AMP sequence variant interpretation guidelines (Richards et al. 2015 PMID: 25741868, with internal and published modifications).

Blueprint Genetics
Classification: Likely benign. Last evaluated: 2024-08-28. Review status: criteria provided, single submitter. Criteria: ACMG Guidelines, 2015. Collection method: clinical testing. Allele origin: germline.

GeneDx
Classification: Likely benign. Last evaluated: 2019-10-21. Review status: criteria provided, single submitter. Criteria: GeneDx Variant Classification Process June 2021. Collection method: clinical testing. Allele origin: germline. Affected: yes.
Comment: See Variant Classification Assertion Criteria.

Genetic Services Laboratory, University of Chicago
Classification: Likely benign. Last evaluated: 2015-11-04. Review status: criteria provided, single submitter. Criteria: ACMG Guidelines, 2015. Collection method: clinical testing. Allele origin: germline. Affected: no.

NM_018249.6(CDK5RAP2):c.2826A>T (p.Ile942=)

Gene: CDK5RAP2 (CDK5 regulatory subunit associated protein 2; minus strand). Cytogenetic location: 9q33.2.
Variant type: single nucleotide variant.
Coding change: c.2826A>T on transcript NM_018249.6 (MANE Select); coding-DNA position 2826, A replaced by T.
Protein change: p.Ile942=; no amino-acid change (isoleucine 942 retained).
Molecular consequence: synonymous variant. On other transcripts: non-coding transcript variant (5).
Genome position (GRCh38, 1-based): chr9:120,448,094, T>A on the plus strand (A>T on the coding strand, the complement: CDK5RAP2 is on the minus strand). VCF-style: chr9-120448094-T-A. GRCh37 (hg19) VCF-style: chr9-123210372-T-A.
Other names: c.2826A>T, p.Ile942= (NM_001011649.3); c.2136A>T, p.Ile712= (NM_001272039.2).
Identifiers: ClinVar variation 434645 (VCV000434645.26), dbSNP rs142596662, ClinGen allele CA5213977.